The following is an entry in ClinVar:

ClinVar aggregate classification (germline): Pathogenic/Likely pathogenic. Review status: criteria provided, multiple submitters, no conflicts (2 of 4 stars). 3 submissions from 3 submitters: Pathogenic (2); Likely pathogenic (1). Last evaluated 2024-09-12.

Conditions:
Hereditary cancer-predisposing syndrome. Also called: Hereditary neoplastic syndrome; Neoplastic Syndromes, Hereditary; Hereditary Cancer Syndrome; Tumor predisposition. Identifiers: Orphanet 140162, MedGen C0027672, MeSH D009386, MONDO:0015356.
Hereditary breast ovarian cancer syndrome. Also called: BRCA1- and BRCA2-Associated Hereditary Breast and Ovarian Cancer; Hereditary breast and ovarian cancer syndrome; Hereditary breast and ovarian cancer syndrome (HBOC); Hereditary breast and/or ovarian cancer syndrome; Breast and ovarian cancer; Hereditary breast and ovarian cancer. Identifiers: Orphanet 145, MedGen C0677776, MeSH D061325, MONDO:0003582. Disease mechanism: loss of function.

Submissions (3):

Labcorp Genetics (formerly Invitae), Labcorp
Classification: Pathogenic for Hereditary breast ovarian cancer syndrome. Last evaluated: 2024-09-12. Review status: criteria provided, single submitter. Criteria: Invitae Variant Classification Sherloc (09022015). Collection method: clinical testing. Allele origin: germline.
Comment: This sequence change results in a frameshift in the BRCA1 gene (p.Asp1840Argfs*40). While this is not anticipated to result in nonsense mediated decay, it is expected to disrupt the last 24 amino acid(s) of the BRCA1 protein and extend the protein by 15 additional amino acid residues. This variant is not present in population databases (gnomAD no frequency). This variant has not been reported in the literature in individuals affected with BRCA1-related conditions. ClinVar contains an entry for this variant (Variation ID: 660234). This variant disrupts a region of the BRCA1 protein in which other variant(s) (p.Tyr1853*) have been determined to be pathogenic (PMID: 7894493, 10811118, 11739404, 12400015, 21922593; internal data). This suggests that this is a clinically significant region of the protein, and that variants that disrupt it are likely to be disease-causing. For these reasons, this variant has been classified as Pathogenic.

Ambry Genetics
Classification: Pathogenic for Hereditary cancer-predisposing syndrome. Last evaluated: 2024-07-03. Review status: criteria provided, single submitter. Criteria: Ambry Variant Classification Scheme 2023. Collection method: clinical testing. Allele origin: germline.
Comment: The c.5517_5518insC pathogenic mutation, located in coding exon 22 of the BRCA1 gene, results from an insertion of one nucleotide at position 5517, causing a translational frameshift with a predicted alternate stop codon (p.D1840Rfs*40). This alteration occurs at the 3' terminus of theBRCA1 gene, is not expected to trigger nonsense-mediated mRNAdecay and results in the elongation of the protein by 15 amino acids. This frameshift impacts the last 24amino acids of the native protein. However, frameshifts are typically deleterious in nature and the impacted region is critical for protein function (Ambry internal data). This variant is considered to be rare based on population cohorts in the Genome Aggregation Database (gnomAD). As such, this alteration is interpreted as a disease-causing mutation.

Women's Health and Genetics/Laboratory Corporation of America, LabCorp
Classification: Likely pathogenic for Hereditary breast ovarian cancer syndrome. Last evaluated: 2023-12-11. Review status: criteria provided, single submitter. Criteria: LabCorp Variant Classification Summary - May 2015. Collection method: clinical testing. Allele origin: germline.
Comment: Variant summary: BRCA1 c.5517_5518insC (p.Asp1840ArgfsX40) causes a frameshift which results in an extension of the protein. This variant is located in the last exon and is unlikely to result in nonsense mediated decay, but is predicted to replace the last 24 amino acids, creating a new downstream translational stop signal in the last exon and lengthening the C-terminus of the protein. The variant was absent in 251360 control chromosomes (gnomAD). To our knowledge, no occurrence of c.5517_5518insC in individuals affected with Hereditary Breast And Ovarian Cancer Syndrome and no experimental evidence demonstrating its impact on protein function have been reported. However, this frameshift is located in C-terminus of the protein and affects a part of BRCT domain (IPR001357, 1756-1855), which is important for DNA repair activity. Additionally, other downstream deleterious variants were classified as likely pathogenic/pathogenic in our laboratory and ClinVar database. One ClinVar submitter (evaluation after 2014) cites the variant as likely pathogenic. Based on the evidence outlined above, the variant was classified as likely pathogenic.

Literature cited by the submitters: PubMed 7894493 (cited by Labcorp Genetics (formerly Invitae), Labcorp); PubMed 10811118 (cited by Labcorp Genetics (formerly Invitae), Labcorp); PubMed 11739404 (cited by Labcorp Genetics (formerly Invitae), Labcorp); PubMed 12400015 (cited by Labcorp Genetics (formerly Invitae), Labcorp); PubMed 21922593 (cited by Labcorp Genetics (formerly Invitae), Labcorp).

NM_007294.4(BRCA1):c.5517_5518insC (p.Asp1840fs)

Gene: BRCA1 (BRCA1 DNA repair associated; minus strand). Cytogenetic location: 17q21.31.
Variant type: Insertion.
Coding change: c.5517_5518insC on transcript NM_007294.4 (MANE Select); coding-DNA positions 5517 to 5518, C inserted.
Protein change: p.Asp1840fs; shifts the reading frame from aspartic acid 1840.
Molecular consequence: frameshift variant. On other transcripts: 3 prime UTR variant (1), non-coding transcript variant (1).
Genome position: GRCh38 VCF-style: chr17-43045752-C-CG. GRCh37 (hg19) VCF-style: chr17-41197769-C-CG.
Other names: c.5304_5305insC, p.Asp1769Argfs (NM_001407571.1, NM_001407894.1, NM_001407895.1 and 12 more transcripts); c.5583_5584insC, p.Asp1862Argfs (NM_001407581.1, NM_001407582.1); c.5580_5581insC, p.Asp1861Argfs (NM_001407583.1, NM_001407585.1, NM_001407587.1); c.5577_5578insC, p.Asp1860Argfs (NM_001407590.1, NM_001407591.1); c.5517_5518insC, p.Asp1840Argfs (NM_001407593.1, NM_001407594.1, NM_001407596.1 and 5 more transcripts); c.5514_5515insC, p.Asp1839Argfs (NM_001407610.1, NM_001407611.1, NM_001407612.1 and 14 more transcripts); c.5511_5512insC, p.Asp1838Argfs (NM_001407627.1, NM_001407628.1, NM_001407629.1 and 13 more transcripts); c.5508_5509insC, p.Asp1837Argfs (NM_001407644.1, NM_001407645.1); and 76 more; short protein forms D1793fs, D1840fs, D1861fs, D736fs.
Identifiers: ClinVar variation 660234 (VCV000660234.8), dbSNP rs1597796956, ClinGen allele CA915950025.